The following is an entry in ClinVar:

ClinVar aggregate classification (germline): Uncertain significance. Review status: criteria provided, multiple submitters, no conflicts (2 of 4 stars). 2 submissions from 2 submitters: Uncertain significance (2). Last evaluated 2026-01-27.

Conditions:
Episodic ataxia type 1 (EA1). Also called: ATAXIA, EPISODIC, WITH MYOKYMIA; MYOKYMIA WITH PERIODIC ATAXIA; PAROXYSMAL ATAXIA WITH NEUROMYOTONIA, HEREDITARY; Episodic ataxia/myokymia syndrome. Identifiers: Orphanet 37612, Orphanet 972, MedGen C1719788, MONDO:0008047, OMIM 160120.
Balance problems. Also called: balance disorder. Identifiers: MedGen C0575090.
Intention tremor. Identifiers: MedGen C4551520, HP:0002080.
Vertigo. Identifiers: MedGen C0042571, HP:0002321.
Disturbance in speech. Identifiers: MedGen C0233715.

Submissions (2):

Clinical Genetics Laboratory, Skane University Hospital Lund
Classification: Uncertain significance for Vertigo; Disturbance in speech; Intention tremor; Balance problems. Last evaluated: 2026-01-27. Review status: criteria provided, single submitter. Criteria: ACMG Guidelines, 2015. Collection method: clinical testing. Allele origin: germline. Affected: yes.
Comment: ACMG criteria used: PM2, PP2, PP3

Labcorp Genetics (formerly Invitae), Labcorp
Classification: Uncertain significance for Episodic ataxia type 1. Last evaluated: 2023-11-24. Review status: criteria provided, single submitter. Criteria: Invitae Variant Classification Sherloc (09022015). Collection method: clinical testing. Allele origin: germline.
Comment: This sequence change replaces serine, which is neutral and polar, with phenylalanine, which is neutral and non-polar, at codon 306 of the KCNA1 protein (p.Ser306Phe). This variant is not present in population databases (gnomAD no frequency). This variant has not been reported in the literature in individuals affected with KCNA1-related conditions. Advanced modeling of protein sequence and biophysical properties (such as structural, functional, and spatial information, amino acid conservation, physicochemical variation, residue mobility, and thermodynamic stability) performed at Invitae indicates that this missense variant is expected to disrupt KCNA1 protein function with a positive predictive value of 80%. In summary, the available evidence is currently insufficient to determine the role of this variant in disease. Therefore, it has been classified as a Variant of Uncertain Significance.

NM_000217.3(KCNA1):c.917C>T (p.Ser306Phe)

Gene: KCNA1 (potassium voltage-gated channel subfamily A member 1; plus strand). Cytogenetic location: 12p13.32.
Variant type: single nucleotide variant.
Coding change: c.917C>T on transcript NM_000217.3 (MANE Select); coding-DNA position 917, C replaced by T.
Protein change: p.Ser306Phe; replaces serine 306 with phenylalanine.
Molecular consequence: missense variant.
Genome position (GRCh38, 1-based): chr12:4,912,295, C>T. VCF-style: chr12-4912295-C-T. GRCh37 (hg19) VCF-style: chr12-5021461-C-T.
Other names: short protein forms S306F.
Identifiers: ClinVar variation 2698259 (VCV002698259.4), dbSNP rs1947357313, ClinGen allele CA383455627.